The following is an entry in ClinVar:

NM_000147.5(FUCA1):c.393T>A (p.Tyr131Ter)

Genes: FUCA1 (alpha-L-fucosidase 1; minus strand), LOC126805661 (BRD4-independent group 4 enhancer GRCh37_chr1:24191742-24192941; plus strand). Cytogenetic location: 1p36.11.
Variant type: single nucleotide variant.
Coding change: c.393T>A on transcript NM_000147.5 (MANE Select); coding-DNA position 393, T replaced by A.
Protein change: p.Tyr131Ter; replaces tyrosine 131 with a stop codon.
Molecular consequence: nonsense.
Genome position (GRCh38, 1-based): chr1:23,865,622, A>T on the plus strand (T>A on the coding strand, the complement: FUCA1 is on the minus strand). VCF-style: chr1-23865622-A-T. GRCh37 (hg19) VCF-style: chr1-24192112-A-T.
Other names: short protein forms Y131*.
Identifiers: ClinVar variation 265438 (VCV000265438.10), dbSNP rs781230182, ClinGen allele CA686555.

ClinVar aggregate classification (germline): Pathogenic. Review status: criteria provided, multiple submitters, no conflicts (2 of 4 stars). 4 submissions from 4 submitters: Pathogenic (4). Last evaluated 2024-08-16.

Conditions:
Fucosidosis. Also called: ALPHA-L-FUCOSIDASE DEFICIENCY. Identifiers: Orphanet 349, MedGen C0016788, MONDO:0009254, OMIM 230000.

Allele frequency attached by ClinVar (database versions not stated): ExAC 0.00001; TOPMed 0.00001.
gnomAD v4.1: 8 of 1,614,234 alleles (0.0005%); highest among the groups gnomAD compares: East Asian, 0.0067%; no homozygotes.

Submissions (4):

Labcorp Genetics (formerly Invitae), Labcorp
Classification: Pathogenic for Fucosidosis. Last evaluated: 2024-08-16. Review status: criteria provided, single submitter. Criteria: Invitae Variant Classification Sherloc (09022015). Collection method: clinical testing. Allele origin: germline.
Comment: This sequence change creates a premature translational stop signal (p.Tyr131*) in the FUCA1 gene. It is expected to result in an absent or disrupted protein product. Loss-of-function variants in FUCA1 are known to be pathogenic (PMID: 10094192). This variant is present in population databases (rs781230182, gnomAD 0.02%). This premature translational stop signal has been observed in individuals with fucosidosis (PMID: 12408193, 17427030). ClinVar contains an entry for this variant (Variation ID: 265438). Algorithms developed to predict the effect of variants on gene product structure and function are not available or were not evaluated for this variant. Experimental studies have shown that this premature translational stop signal affects FUCA1 function (PMID: 17427030). For these reasons, this variant has been classified as Pathogenic.

GeneDx
Classification: Pathogenic. Last evaluated: 2023-10-03. Review status: criteria provided, single submitter. Criteria: GeneDx Variant Classification Process June 2021. Collection method: clinical testing. Allele origin: germline. Affected: yes.
Comment: Nonsense variant predicted to result in protein truncation or nonsense mediated decay in a gene for which loss of function is a known mechanism of disease; Published functional studies demonstrate no appreciable enzyme activity and no detectable FUCA1 protein (Lin et al., 2007); Also known as Y126X; This variant is associated with the following publications: (PMID: 17427030, 25525159, 28238202, 31618753, 12408193)

Women's Health and Genetics/Laboratory Corporation of America, LabCorp
Classification: Pathogenic for Fucosidosis. Last evaluated: 2022-04-01. Review status: criteria provided, single submitter. Criteria: LabCorp Variant Classification Summary - May 2015. Collection method: clinical testing. Allele origin: germline.
Comment: Variant summary: FUCA1 c.393T>A (p.Tyr131X) results in a premature termination codon, predicted to cause a truncation of the encoded protein or absence of the protein due to nonsense mediated decay, which are commonly known mechanisms for disease. Truncations downstream of this position have been classified as pathogenic by our laboratory. The variant allele was found at a frequency of 1.2e-05 in 251482 control chromosomes (gnomAD). c.393T>A has been reported in the literature in individuals affected with Fucosidosis, including two unrelated homozygotes (Ip_2002, Lin_2007) and one unrelated compound heterozygote (Ziats_2020). These data indicate that the variant is likely to be associated with disease. At least one publication reports experimental evidence evaluating an impact on protein function, where COS-7 cells transfected with the variant had background levels of enzymatic activity and no detectable protein (Lin_2007). One ClinVar submitter has assessed the variant since 2014: the variant was classified as pathogenic. Based on the evidence outlined above, the variant was classified as pathogenic.

Juno Genomics, Hangzhou Juno Genomics, Inc
Classification: Pathogenic for Fucosidosis. Review status: criteria provided, single submitter. Criteria: ACMG Guidelines, 2015. Collection method: clinical testing. Allele origin: germline.
Comment: Absent from controls (or at extremely low frequency if recessive) in Genome Aggregation Database.;Null variant in a gene where loss of function (LOF) is a known mechanism of disease.;For recessive disorders, detected in trans with a pathogenic variant.

Literature cited by the submitters: PubMed 10094192 (cited by Labcorp Genetics (formerly Invitae), Labcorp); PubMed 12408193 (cited by Labcorp Genetics (formerly Invitae), Labcorp and Women's Health and Genetics/Laboratory Corporation of America, LabCorp); PubMed 17427030 (cited by Labcorp Genetics (formerly Invitae), Labcorp and Women's Health and Genetics/Laboratory Corporation of America, LabCorp); PubMed 31618753 (cited by Women's Health and Genetics/Laboratory Corporation of America, LabCorp); PubMed 30109123 (cited by Women's Health and Genetics/Laboratory Corporation of America, LabCorp).